The following is an entry in ClinVar:

ClinVar aggregate classification (germline): Uncertain significance. Review status: criteria provided, multiple submitters, no conflicts (2 of 4 stars). 2 submissions from 2 submitters: Uncertain significance (2). Last evaluated 2025-11-01.

Conditions:
Hereditary cancer-predisposing syndrome. Also called: Tumor predisposition; Hereditary neoplastic syndrome; Neoplastic Syndromes, Hereditary; Hereditary Cancer Syndrome. Identifiers: Orphanet 140162, MedGen C0027672, MeSH D009386, MONDO:0015356.

Allele frequency attached by ClinVar (database versions not stated): gnomAD exomes below 0.00001.
gnomAD v4.1: 4 of 1,614,122 alleles (0.00025%); highest among the groups gnomAD compares: Non-Finnish European, 0.00034%; no homozygotes.

Submissions (2):

Labcorp Genetics (formerly Invitae), Labcorp
Classification: Uncertain significance. Last evaluated: 2025-11-01. Review status: criteria provided, single submitter. Criteria: Invitae Variant Classification Sherloc (09022015). Collection method: clinical testing. Allele origin: germline.
Comment: This sequence change replaces glycine, which is neutral and non-polar, with arginine, which is basic and polar, at codon 811 of the CTNNA1 protein (p.Gly811Arg). This variant is present in population databases (no rsID available, gnomAD 0.0009%). This variant has not been reported in the literature in individuals affected with CTNNA1-related conditions. ClinVar contains an entry for this variant (Variation ID: 860181). An algorithm developed to predict the effect of missense changes on protein structure and function (PolyPhen-2) suggests that this variant is likely to be disruptive. In summary, the available evidence is currently insufficient to determine the role of this variant in disease. Therefore, it has been classified as a Variant of Uncertain Significance.

Ambry Genetics
Classification: Uncertain significance for Hereditary cancer-predisposing syndrome. Last evaluated: 2024-12-30. Review status: criteria provided, single submitter. Criteria: Ambry Variant Classification Scheme 2023. Collection method: clinical testing. Allele origin: germline.
Comment: The p.G811R variant (also known as c.2431G>A), located in coding exon 16 of the CTNNA1 gene, results from a G to A substitution at nucleotide position 2431. The glycine at codon 811 is replaced by arginine, an amino acid with dissimilar properties. This amino acid position is conserved. In addition, this alteration is predicted to be deleterious by in silico analysis. The evidence for this gene-disease relationship is limited; therefore, the clinical significance of this alteration is unclear.

NM_001903.5(CTNNA1):c.2431G>A (p.Gly811Arg)

Gene: CTNNA1 (catenin alpha 1; plus strand). Cytogenetic location: 5q31.2.
Variant type: single nucleotide variant.
Coding change: c.2431G>A on transcript NM_001903.5 (MANE Select); coding-DNA position 2431, G replaced by A.
Protein change: p.Gly811Arg; replaces glycine 811 with arginine.
Molecular consequence: missense variant. On other transcripts: intron variant (1).
Genome position (GRCh38, 1-based): chr5:138,932,710, G>A. VCF-style: chr5-138932710-G-A. GRCh37 (hg19) VCF-style: chr5-138268399-G-A.
Other names: c.2431G>A, p.Gly811Arg (NM_001290307.3, NM_001323982.2, NM_001323983.1 and 2 more transcripts); c.2122G>A, p.Gly708Arg (NM_001290309.3); c.2062G>A, p.Gly688Arg (NM_001290310.3); c.1321G>A, p.Gly441Arg (NM_001290312.1, NM_001323987.1, NM_001323988.1 and 16 more transcripts); c.2338G>A, p.Gly780Arg (NM_001323986.2); c.982G>A, p.Gly328Arg (NM_001324006.1, NM_001324007.1, NM_001324008.1 and 2 more transcripts); c.1228G>A, p.Gly410Arg (NM_001324011.1); c.1078G>A, p.Gly360Arg (NM_001324012.1, NM_001324013.1); and 1 more; short protein forms G410R, G328R, G360R, G688R, G708R, G811R, G441R, G780R.
Identifiers: ClinVar variation 860181 (VCV000860181.13), dbSNP rs1373407335, ClinGen allele CA361134569.